The following is an entry in ClinVar:

NM_000482.4(APOA4):c.293T>G (p.Leu98Arg)

Gene: APOA4 (apolipoprotein A4; minus strand). Cytogenetic location: 11q23.3.
Variant type: single nucleotide variant.
Coding change: c.293T>G on transcript NM_000482.4 (MANE Select); coding-DNA position 293, T replaced by G.
Protein change: p.Leu98Arg; replaces leucine 98 with arginine.
Molecular consequence: missense variant.
Genome position (GRCh38, 1-based): chr11:116,821,765, A>C on the plus strand (T>G on the coding strand, the complement: APOA4 is on the minus strand). VCF-style: chr11-116821765-A-C. GRCh37 (hg19) VCF-style: chr11-116692481-A-C.
Other names: short protein forms L98R.
Identifiers: ClinVar variation 2920437 (VCV002920437.3), dbSNP rs775300231, ClinGen allele CA6289465.
Genomic context (GRCh38, chr11:116,821,765, plus strand): 5'-TTGGCATGGGGCAGCAGCCGGGCCCTCAGCTCCTCCAGCTCCTTCCCAATCTCCTCCTTC[A>C]GTTTCTCCGAGTCCTTGGCCAGGCGTTCATGCAGCTCGGTGGCAAAGGGCACCAGCTTCT-3'
Protein context (NP_000473.2, residues 88-108): HERLAKDSEK[Leu98Arg]KEEIGKELEE

ClinVar aggregate classification (germline): Uncertain significance (1 of 4 stars; one submission).

Allele frequency attached by ClinVar (database versions not stated): TOPMed 0.00001; gnomAD 0.00003; ExAC 0.00025.

Submission:

Labcorp Genetics (formerly Invitae), Labcorp
Classification: Uncertain significance. Last evaluated: 2023-02-16. Review status: criteria provided, single submitter. Criteria: Invitae Variant Classification Sherloc (09022015). Collection method: clinical testing. Allele origin: germline.
Comment: This sequence change replaces leucine, which is neutral and non-polar, with arginine, which is basic and polar, at codon 98 of the APOA4 protein (p.Leu98Arg). This variant is present in population databases (rs775300231, gnomAD 0.1%), and has an allele count higher than expected for a pathogenic variant. This variant has not been reported in the literature in individuals affected with APOA4-related conditions. Advanced modeling of protein sequence and biophysical properties (such as structural, functional, and spatial information, amino acid conservation, physicochemical variation, residue mobility, and thermodynamic stability) performed at Invitae indicates that this missense variant is expected to disrupt APOA4 protein function. In summary, the available evidence is currently insufficient to determine the role of this variant in disease. Therefore, it has been classified as a Variant of Uncertain Significance.